The following is an entry in ClinVar:

NM_001447.3(FAT2):c.11533C>T (p.Arg3845Cys)

Genes: FAT2 (FAT atypical cadherin 2; minus strand), SLC36A1 (solute carrier family 36 member 1; plus strand). Cytogenetic location: 5q33.1.
Variant type: single nucleotide variant.
Coding change: c.11533C>T on transcript NM_001447.3 (MANE Select); coding-DNA position 11533, C replaced by T.
Protein change: p.Arg3845Cys; replaces arginine 3845 with cysteine.
Molecular consequence: missense variant.
Genome position (GRCh38, 1-based): chr5:151,512,537, G>A on the plus strand (C>T on the coding strand, the complement: FAT2 is on the minus strand). VCF-style: chr5-151512537-G-A. GRCh37 (hg19) VCF-style: chr5-150892098-G-A.
Other names: short protein forms R3845C.
Identifiers: ClinVar variation 3277820 (VCV003277820.2).
Genomic context (GRCh38, chr5:151,512,537, plus strand): 5'-GAATGGAAGCGTCCATCTCCTCCACCAGGATGGAGTGCCACTCGTGGTCATTCACATGGC[G>A]CTGGGAGGAAAGGTTTCCATAGAAACCACCCAGACAGTGGTATTCCAGCTGGGGCACTCC-3'
Protein context (NP_001438.1, residues 3835-3855): GGFYGNLSSQ[Arg3845Cys]HVNDHEWHSI

ClinVar aggregate classification (germline): Uncertain significance. Review status: criteria provided, multiple submitters, no conflicts (2 of 4 stars). 2 submissions from 2 submitters: Uncertain significance (2). Last evaluated 2025-11-05.

Submissions (2):

Labcorp Genetics (formerly Invitae), Labcorp
Classification: Uncertain significance. Last evaluated: 2025-11-05. Review status: criteria provided, single submitter. Criteria: Invitae Variant Classification Sherloc (09022015). Collection method: clinical testing. Allele origin: germline.
Comment: This sequence change replaces arginine, which is basic and polar, with cysteine, which is neutral and slightly polar, at codon 3845 of the FAT2 protein (p.Arg3845Cys). This variant is present in population databases (rs762295424, gnomAD 0.004%). This variant has not been reported in the literature in individuals affected with FAT2-related conditions. ClinVar contains an entry for this variant (Variation ID: 3277820). An algorithm developed to predict the effect of missense changes on protein structure and function (PolyPhen-2) suggests that this variant is likely to be disruptive. In summary, the available evidence is currently insufficient to determine the role of this variant in disease. Therefore, it has been classified as a Variant of Uncertain Significance.

Ambry Genetics
Classification: Uncertain significance. Last evaluated: 2024-03-30. Review status: criteria provided, single submitter. Criteria: Ambry Variant Classification Scheme 2023. Collection method: clinical testing. Allele origin: germline.